The following is an entry in ClinVar:

NM_182641.4(BPTF):c.2299G>C (p.Gly767Arg)

Gene: BPTF (bromodomain PHD finger transcription factor; plus strand). Cytogenetic location: 17q24.2.
Variant type: single nucleotide variant.
Coding change: c.2299G>C on transcript NM_182641.4 (MANE Select); coding-DNA position 2299, G replaced by C.
Protein change: p.Gly767Arg; replaces glycine 767 with arginine.
Molecular consequence: missense variant.
Genome position (GRCh38, 1-based): chr17:67,893,613, G>C. VCF-style: chr17-67893613-G-C. GRCh37 (hg19) VCF-style: chr17-65889729-G-C.
Other names: c.2488G>C, p.Gly830Arg (NM_001439139.1, NM_001439141.1, NM_001439143.1 and 1 more transcripts); c.2677G>C, p.Gly893Arg (NM_001439140.1, NM_001439142.1, NM_004459.7); short protein forms G767R, G830R, G893R.
Identifiers: ClinVar variation 4536332 (VCV004536332.1).
Genomic context (GRCh38, chr17:67,893,613, plus strand): 5'-AAGAGAAGGCATCTTGCACATAAGTTCTGTCTGACTCCAGCAGGAGAGTTCAAATGGAAC[G>C]GTTCTGTCCATGGGTCCAAAGTTCTTACCATATCTACTCTGAGACTGACTATCACCCAAT-3'
Protein context (NP_872579.2, residues 757-777): LTPAGEFKWN[Gly767Arg]SVHGSKVLTI

ClinVar aggregate classification (germline): Uncertain significance (1 of 4 stars; one submission).

Submission:

GeneDx
Classification: Uncertain significance. Last evaluated: 2025-06-02. Review status: criteria provided, single submitter. Criteria: GeneDx Variant Classification Process June 2021. Collection method: clinical testing. Allele origin: germline. Affected: yes.
Comment: Not observed at significant frequency in large population cohorts (gnomAD); In silico analysis supports that this missense variant has a deleterious effect on protein structure/function; Has not been previously published as pathogenic or benign to our knowledge